The following is an entry in ClinVar:

ClinVar aggregate classification (germline): Uncertain significance (1 of 4 stars; one submission).

Conditions:
Very long chain acyl-CoA dehydrogenase deficiency (ACADVLD). Also called: Very Long-Chain Acyl-Coenzyme A Dehydrogenase Deficiency; VLCAD Deficiency. Identifiers: Orphanet 26793, MedGen C3887523, MONDO:0008723, OMIM 201475.

Submission:

Wong Mito Lab, Molecular and Human Genetics, Baylor College of Medicine
Classification: Uncertain significance for Very long chain acyl-CoA dehydrogenase deficiency. Last evaluated: 2019-11-01. Review status: criteria provided, single submitter. Criteria: ACMG Guidelines, 2015. Collection method: clinical testing. Allele origin: germline.
Comment: The NM_000018.3:c.755A>G (NP_000009.1:p.Asn252Ser) [GRCH38: NC_000017.11:g.7222179A>G] variant in ACADVL gene is interpretated to be Uncertain Significance based on ACMG guidelines (PMID: 25741868). This variant has been reported.This variant dose not meet any evidence codes reported in the ACMG guidelines.

NM_000018.4(ACADVL):c.755A>G (p.Asn252Ser)

Gene: ACADVL (acyl-CoA dehydrogenase very long chain; plus strand). Cytogenetic location: 17p13.1.
Variant type: single nucleotide variant.
Coding change: c.755A>G on transcript NM_000018.4 (MANE Select); coding-DNA position 755, A replaced by G.
Protein change: p.Asn252Ser; replaces asparagine 252 with serine.
Molecular consequence: missense variant.
Genome position (GRCh38, 1-based): chr17:7,222,179, A>G. VCF-style: chr17-7222179-A-G. GRCh37 (hg19) VCF-style: chr17-7125498-A-G.
Other names: c.689A>G, p.Asn230Ser (NM_001033859.3); c.824A>G, p.Asn275Ser (NM_001270447.2); c.527A>G, p.Asn176Ser (NM_001270448.2); short protein forms N252S, N230S, N275S, N176S.
Identifiers: ClinVar variation 932800 (VCV000932800.2), dbSNP rs2071263384, ClinGen allele CA397723622.